The following is an entry in ClinVar:

ClinVar aggregate classification (germline): Uncertain significance (1 of 4 stars; one submission).

Conditions:
Periodic fever-infantile enterocolitis-autoinflammatory syndrome. Also called: Autoinflammation with infantile enterocolitis. Identifiers: Orphanet 436166, MedGen C4015067, MONDO:0014472, OMIM 616050.
Familial cold autoinflammatory syndrome 4 (FCAS4). Identifiers: Orphanet 47045, Orphanet 576349, MedGen C4015276, MONDO:0014498, OMIM 616115.

Submission:

Labcorp Genetics (formerly Invitae), Labcorp
Classification: Uncertain significance for Periodic fever-infantile enterocolitis-autoinflammatory syndrome; Familial cold autoinflammatory syndrome 4. Last evaluated: 2021-08-11. Review status: criteria provided, single submitter. Criteria: Invitae Variant Classification Sherloc (09022015). Collection method: clinical testing. Allele origin: germline.
Comment: This sequence change replaces aspartic acid with tyrosine at codon 395 of the NLRC4 protein (p.Asp395Tyr). The aspartic acid residue is highly conserved and there is a large physicochemical difference between aspartic acid and tyrosine. In summary, the available evidence is currently insufficient to determine the role of this variant in disease. Therefore, it has been classified as a Variant of Uncertain Significance. Algorithms developed to predict the effect of missense changes on protein structure and function (SIFT, PolyPhen-2, Align-GVGD) all suggest that this variant is likely to be disruptive. This variant has not been reported in the literature in individuals affected with NLRC4-related conditions. This variant is not present in population databases (ExAC no frequency).

NM_001199138.2(NLRC4):c.1183G>T (p.Asp395Tyr)

Gene: NLRC4 (NLR family CARD domain containing 4; minus strand). Cytogenetic location: 2p22.3.
Variant type: single nucleotide variant.
Coding change: c.1183G>T on transcript NM_001199138.2 (MANE Select); coding-DNA position 1183, G replaced by T.
Protein change: p.Asp395Tyr; replaces aspartic acid 395 with tyrosine.
Molecular consequence: missense variant. On other transcripts: intron variant (1).
Genome position (GRCh38, 1-based): chr2:32,250,681, C>A on the plus strand (G>T on the coding strand, the complement: NLRC4 is on the minus strand). VCF-style: chr2-32250681-C-A. GRCh37 (hg19) VCF-style: chr2-32475750-C-A.
Other names: c.1183G>T, p.Asp395Tyr (NM_001199139.2, NM_021209.5); c.262+1738G>T (NM_001302504.1); short protein forms D395Y.
Identifiers: ClinVar variation 1482264 (VCV001482264.6), dbSNP rs2148942460, ClinGen allele CA346513234.